The following is an entry in ClinVar:

NM_000070.3(CAPN3):c.969_970del (p.Glu323fs)

Gene: CAPN3 (calpain 3; plus strand). Cytogenetic location: 15q15.1.
Variant type: Microsatellite.
Coding change: c.969_970del on transcript NM_000070.3 (MANE Select); coding-DNA positions 969 to 970, 2 bases deleted (GA; older notation c.969_970delGA).
Protein change: p.Glu323fs; shifts the reading frame from glutamic acid 323.
Molecular consequence: frameshift variant.
Genome position (GRCh38, 1-based): chr15:42,392,662-42,392,663, GA deleted; deleting any 2 consecutive bases within chr15:42,392,660-42,392,663 gives the same sequence; the c. name uses the placement nearest the transcript's 3' end. VCF-style (leftmost placement, unchanged base first): chr15-42392659-TGA-T. GRCh37 (hg19) VCF-style: chr15-42684857-TGA-T.
Other names: c.969_970del, p.Glu323fs (NM_024344.2); c.825_826del, p.Glu275fs (NM_173087.2); short protein forms E275fs, E323fs.
Identifiers: ClinVar variation 4063969 (VCV004063969.2).
Genomic context (GRCh38, chr15:42,392,659, plus strand): 5'-TCCCCCGCCCCTAATGGGTTCTCTGGTTACTGCTCTACAGACAATCATTCCGGTTCAGTA[TGA>T]GACAAGAATGGCCTGCGGGCTGGTCAGAGGTCACGCCTACTCTGTCACGGGGCTGGATGA-3'

ClinVar aggregate classification (germline): Likely pathogenic (1 of 4 stars; one submission).

Conditions:
Autosomal recessive limb-girdle muscular dystrophy type 2A (LGMDR1). Also called: LEYDEN-MOEBIUS MUSCULAR DYSTROPHY; MUSCULAR DYSTROPHY, PELVOFEMORAL; Limb-girdle muscular dystrophy, type 2A; Calpainopathy; Muscular dystrophy, limb-girdle, type 2A, Amish. Identifiers: Orphanet 267, MedGen C1869123, MONDO:0009675, OMIM 253600. Disease mechanism: loss of function.

Submission:

Natera, Inc.
Classification: Likely pathogenic for Limb-girdle muscular dystrophy type 2A. Last evaluated: 2025-03-11. Review status: criteria provided, single submitter. Criteria: Natera Variant Classification Schema (03/2026). Collection method: clinical testing. Allele origin: germline.
Comment: The c.969_970del variant in CAPN3 is a frameshift variant predicted to shift the reading frame beginning at codon 323 and leads to a stop codon 20 codons downstream. This variant is expected to result in nonsense mediated decay, truncation, or a dysfunctional protein product. This variant is rare in the general population with a frequency below the threshold expected for the associated phenotype(s). Given the available evidence, this variant is classified as Likely Pathogenic.